The following is an entry in ClinVar:

ClinVar aggregate classification (germline): Likely benign (1 of 4 stars; one submission).

Conditions:
Tuberous sclerosis 1 (TSC1). Identifiers: Orphanet 805, MedGen C1854465, MONDO:0008612, OMIM 191100.

gnomAD v4.1: 1 of 1,614,148 alleles (0.000062%); no homozygotes.

Submission:

Myriad Genetics, Inc.
Classification: Likely benign for Tuberous sclerosis 1. Last evaluated: 2025-04-29. Review status: criteria provided, single submitter. Criteria: Myriad Autosomal Dominant, Autosomal Recessive and X-Linked Classification Criteria (2023). Collection method: clinical testing. Allele origin: unknown.
Comment: This variant is considered likely benign. This variant is intronic and is not expected to impact mRNA splicing.

NM_000368.5(TSC1):c.2814-20G>C

Gene: TSC1 (TSC complex subunit 1; minus strand). Cytogenetic location: 9q34.13.
Variant type: single nucleotide variant.
Coding change: c.2814-20G>C on transcript NM_000368.5 (MANE Select); 20 bases into the intron before coding-DNA position 2814, G replaced by C.
Molecular consequence: intron variant.
Genome position (GRCh38, 1-based): chr9:132,897,365, C>G on the plus strand (G>C on the coding strand, the complement: TSC1 is on the minus strand). VCF-style: chr9-132897365-C-G. GRCh37 (hg19) VCF-style: chr9-135772752-C-G.
Other names: c.2448-20G>C (NM_001406620.1, NM_001406621.1, NM_001406622.1 and 1 more transcripts); c.2451-20G>C (NM_001406618.1, NM_001406617.1, NM_001406619.1 and 4 more transcripts); c.2406-20G>C (NM_001406625.1); c.2616-20G>C (NM_001406613.1); c.2658-20G>C (NM_001406612.1, NM_001406611.1); c.2661-20G>C (NM_001406610.1, NM_001162427.2); c.1860-20G>C (NM_001406627.1, NM_001406628.1); c.1761-20G>C (NM_001406629.1, NM_001406630.1); and 8 more.
Identifiers: ClinVar variation 4071270 (VCV004071270.1).